The following is an entry in ClinVar:

NM_005529.7(HSPG2):c.1785C>G (p.Phe595Leu)

Gene: HSPG2 (heparan sulfate proteoglycan 2; minus strand). Cytogenetic location: 1p36.12.
Variant type: single nucleotide variant.
Coding change: c.1785C>G on transcript NM_005529.7 (MANE Select); coding-DNA position 1785, C replaced by G.
Protein change: p.Phe595Leu; replaces phenylalanine 595 with leucine.
Molecular consequence: missense variant.
Genome position (GRCh38, 1-based): chr1:21,881,372, G>C on the plus strand (C>G on the coding strand, the complement: HSPG2 is on the minus strand). VCF-style: chr1-21881372-G-C. GRCh37 (hg19) VCF-style: chr1-22207865-G-C.
Other names: c.1788C>G, p.Phe596Leu (NM_001291860.2); short protein forms F595L, F596L.
Identifiers: ClinVar variation 1436125 (VCV001436125.5), dbSNP rs1287380192, ClinGen allele CA338966266.

ClinVar aggregate classification (germline): Uncertain significance (1 of 4 stars; one submission).

Allele frequency attached by ClinVar (database versions not stated): gnomAD exomes 0.00001 and 0.00003; TOPMed 0.00008; gnomAD 0.00011 and 0.00012.
gnomAD v4.1: 25 of 1,614,096 alleles (0.0015%); highest among the groups gnomAD compares: Admixed American, 0.04%; no homozygotes.

Submission:

Labcorp Genetics (formerly Invitae), Labcorp
Classification: Uncertain significance. Last evaluated: 2021-09-01. Review status: criteria provided, single submitter. Criteria: Invitae Variant Classification Sherloc (09022015). Collection method: clinical testing. Allele origin: germline.
Comment: This sequence change replaces phenylalanine with leucine at codon 595 of the HSPG2 protein (p.Phe595Leu). The phenylalanine residue is moderately conserved and there is a small physicochemical difference between phenylalanine and leucine. This variant is not present in population databases (ExAC no frequency). This variant has not been reported in the literature in individuals affected with HSPG2-related conditions. Algorithms developed to predict the effect of missense changes on protein structure and function are either unavailable or do not agree on the potential impact of this missense change (SIFT: "Tolerated"; PolyPhen-2: "Probably Damaging"; Align-GVGD: "Class C0"). In summary, the available evidence is currently insufficient to determine the role of this variant in disease. Therefore, it has been classified as a Variant of Uncertain Significance.